The following is an entry in ClinVar:

ClinVar aggregate classification (germline): Uncertain significance. Review status: criteria provided, multiple submitters, no conflicts (2 of 4 stars). 2 submissions from 2 submitters: Uncertain significance (2). Last evaluated 2024-06-29.

Conditions:
Inborn genetic diseases. Identifiers: MedGen C0950123, MeSH D030342.

Allele frequency attached by ClinVar (database versions not stated): TOPMed below 0.00001; gnomAD 0.00001.
gnomAD v4.1: 13 of 1,613,714 alleles (0.00081%); highest among the groups gnomAD compares: Non-Finnish European, 0.0011%; no homozygotes.

Submissions (2):

Labcorp Genetics (formerly Invitae), Labcorp
Classification: Uncertain significance. Last evaluated: 2024-06-29. Review status: criteria provided, single submitter. Criteria: Invitae Variant Classification Sherloc (09022015). Collection method: clinical testing. Allele origin: germline.
Comment: This sequence change replaces histidine, which is basic and polar, with asparagine, which is neutral and polar, at codon 670 of the ACAN protein (p.His670Asn). This variant is present in population databases (no rsID available, gnomAD 0.0009%). This variant has not been reported in the literature in individuals affected with ACAN-related conditions. ClinVar contains an entry for this variant (Variation ID: 2318198). Advanced modeling of protein sequence and biophysical properties (such as structural, functional, and spatial information, amino acid conservation, physicochemical variation, residue mobility, and thermodynamic stability) performed at Invitae indicates that this missense variant is not expected to disrupt ACAN protein function with a negative predictive value of 80%. In summary, the available evidence is currently insufficient to determine the role of this variant in disease. Therefore, it has been classified as a Variant of Uncertain Significance.

Ambry Genetics
Classification: Uncertain significance for Inborn genetic diseases. Last evaluated: 2022-10-12. Review status: criteria provided, single submitter. Criteria: Ambry Variant Classification Scheme 2023. Collection method: clinical testing. Allele origin: germline.

NM_001369268.1(ACAN):c.2008C>A (p.His670Asn)

Gene: ACAN (aggrecan; plus strand). Cytogenetic location: 15q26.1.
Variant type: single nucleotide variant.
Coding change: c.2008C>A on transcript NM_001369268.1 (MANE Select); coding-DNA position 2008, C replaced by A.
Protein change: p.His670Asn; replaces histidine 670 with asparagine.
Molecular consequence: missense variant.
Genome position (GRCh38, 1-based): chr15:88,849,713, C>A. VCF-style: chr15-88849713-C-A. GRCh37 (hg19) VCF-style: chr15-89392944-C-A.
Other names: c.2008C>A, p.His670Asn (NM_001135.4, NM_001411096.1, NM_001411097.1 and 1 more transcripts); short protein forms H670N.
Identifiers: ClinVar variation 2318198 (VCV002318198.4), dbSNP rs1408176320, ClinGen allele CA393712620.